The following is an entry in ClinVar:

NM_032229.3(SLITRK6):c.1697G>A (p.Cys566Tyr)

Gene: SLITRK6 (SLIT and NTRK like family member 6; minus strand). Cytogenetic location: 13q31.1.
Variant type: single nucleotide variant.
Coding change: c.1697G>A on transcript NM_032229.3 (MANE Select); coding-DNA position 1697, G replaced by A.
Protein change: p.Cys566Tyr; replaces cysteine 566 with tyrosine.
Molecular consequence: missense variant.
Genome position (GRCh38, 1-based): chr13:85,794,812, C>T on the plus strand (G>A on the coding strand, the complement: SLITRK6 is on the minus strand). VCF-style: chr13-85794812-C-T. GRCh37 (hg19) VCF-style: chr13-86368947-C-T.
Other names: c.1697G>A (NM_032229.2); short protein forms C566Y.
Identifiers: ClinVar variation 1441114 (VCV001441114.5), dbSNP rs201361210, ClinGen allele CA7015044.

ClinVar aggregate classification (germline): Uncertain significance. Review status: criteria provided, multiple submitters, no conflicts (2 of 4 stars). 3 submissions from 3 submitters: Uncertain significance (3). Last evaluated 2024-11-06.

Conditions:
Inborn genetic diseases. Identifiers: MedGen C0950123, MeSH D030342.

Allele frequency attached by ClinVar (database versions not stated): gnomAD 0.00011 and 0.00012; TOPMed 0.00011; ExAC 0.00015; 1000 Genomes Project 30x 0.00016; ESP Exome Variant Server 0.00016; 1000 Genomes Project 0.00020.

Submissions (3):

Blueprint Genetics
Classification: Uncertain significance. Last evaluated: 2024-11-06. Review status: criteria provided, single submitter. Criteria: ACMG Guidelines, 2015. Collection method: clinical testing. Allele origin: germline.

Ambry Genetics
Classification: Uncertain significance for Inborn genetic diseases. Last evaluated: 2024-01-17. Review status: criteria provided, single submitter. Criteria: Ambry Variant Classification Scheme 2023. Collection method: clinical testing. Allele origin: germline.

Labcorp Genetics (formerly Invitae), Labcorp
Classification: Uncertain significance. Last evaluated: 2022-06-20. Review status: criteria provided, single submitter. Criteria: Invitae Variant Classification Sherloc (09022015). Collection method: clinical testing. Allele origin: germline.
Comment: This sequence change replaces cysteine, which is neutral and slightly polar, with tyrosine, which is neutral and polar, at codon 566 of the SLITRK6 protein (p.Cys566Tyr). This variant is present in population databases (rs201361210, gnomAD 0.03%). This variant has not been reported in the literature in individuals affected with SLITRK6-related conditions. Algorithms developed to predict the effect of missense changes on protein structure and function are either unavailable or do not agree on the potential impact of this missense change (SIFT: "Deleterious"; PolyPhen-2: "Probably Damaging"; Align-GVGD: "Class C0"). In summary, the available evidence is currently insufficient to determine the role of this variant in disease. Therefore, it has been classified as a Variant of Uncertain Significance.